The following is an entry in ClinVar:

NM_001458.5(FLNC):c.6361+9C>G

Genes: FLNC (filamin C; plus strand), FLNC-AS1 (FLNC antisense RNA 1; minus strand). Cytogenetic location: 7q32.1.
Variant type: single nucleotide variant.
Coding change: c.6361+9C>G on transcript NM_001458.5 (MANE Select); 9 bases into the intron after coding-DNA position 6361, C replaced by G.
Molecular consequence: intron variant.
Genome position (GRCh38, 1-based): chr7:128,853,630, C>G. VCF-style: chr7-128853630-C-G. GRCh37 (hg19) VCF-style: chr7-128493684-C-G.
Other names: c.6262+9C>G (NM_001127487.2).
Identifiers: ClinVar variation 770027 (VCV000770027.13), dbSNP rs747274154, ClinGen allele CA4475951.

ClinVar aggregate classification (germline): Likely benign. Review status: criteria provided, multiple submitters, no conflicts (2 of 4 stars). 3 submissions from 3 submitters: Likely benign (3). Last evaluated 2025-08-28.

Conditions:
FLNC-related disorder. Also called: FLNC-related condition; FLNC-related disorders.
Hypertrophic cardiomyopathy 26. Also called: Cardiomyopathy, familial hypertrophic, 26. Identifiers: Orphanet 75249, MedGen C4310749, MONDO:0014883, OMIM 617047.
Distal myopathy with posterior leg and anterior hand involvement. Also called: WILLIAMS DISTAL MYOPATHY. Identifiers: Orphanet 63273, MedGen C3279722, MONDO:0013550, OMIM 614065.
Myofibrillar myopathy 5. Also called: Filaminopathy (type); FILAMINOPATHY, AUTOSOMAL DOMINANT. Identifiers: Orphanet 171445, MedGen C1836050, MONDO:0012289, OMIM 609524.

Allele frequency attached by ClinVar (database versions not stated): gnomAD 0.00001 and 0.00002; gnomAD exomes 0.00001 and 0.00002; TOPMed 0.00001; ExAC 0.00002.
gnomAD v4.1: 29 of 1,614,002 alleles (0.0018%); highest among the groups gnomAD compares: East Asian, 0.062%; no homozygotes.

Submissions (3):

PreventionGenetics, part of Exact Sciences
Classification: Likely benign for FLNC-related condition. Last evaluated: 2025-08-28. Review status: criteria provided, single submitter. Criteria: ACMG Guidelines, 2015. Collection method: clinical testing. Allele origin: germline.
Comment: This variant is classified as likely benign based on ACMG/AMP sequence variant interpretation guidelines (Richards et al. 2015 PMID: 25741868, with internal and published modifications).

Labcorp Genetics (formerly Invitae), Labcorp
Classification: Likely benign for Distal myopathy with posterior leg and anterior hand involvement; Myofibrillar myopathy 5; Hypertrophic cardiomyopathy 26. Last evaluated: 2025-07-29. Review status: criteria provided, single submitter. Criteria: Invitae Variant Classification Sherloc (09022015). Collection method: clinical testing. Allele origin: germline.

Molecular Diagnostic Laboratory for Inherited Cardiovascular Disease, Montreal Heart Institute
Classification: Likely benign. Last evaluated: 2025-04-09. Review status: criteria provided, single submitter. Criteria: ACMG Guidelines, 2015. Collection method: clinical testing. Allele origin: germline. Affected: no.